The following is an entry in ClinVar:

ClinVar aggregate classification (germline): Likely pathogenic (1 of 4 stars; one submission).

Submission:

Mayo Clinic Laboratories, Mayo Clinic
Classification: Likely pathogenic. Last evaluated: 2025-05-21. Review status: criteria provided, single submitter. Criteria: ACMG Guidelines, 2015. Collection method: clinical testing. Allele origin: germline. Observed: 1 variant allele.
Comment: PM2_supporting, PVS1

NM_002693.3(POLG):c.2090T>G (p.Leu697Ter)

Gene: POLG (DNA polymerase gamma, catalytic subunit; minus strand). Cytogenetic location: 15q26.1.
Variant type: single nucleotide variant.
Coding change: c.2090T>G on transcript NM_002693.3 (MANE Select); coding-DNA position 2090, T replaced by G.
Protein change: p.Leu697Ter; replaces leucine 697 with a stop codon.
Molecular consequence: nonsense.
Genome position (GRCh38, 1-based): chr15:89,323,882, A>C on the plus strand (T>G on the coding strand, the complement: POLG is on the minus strand). VCF-style: chr15-89323882-A-C. GRCh37 (hg19) VCF-style: chr15-89867113-A-C.
Other names: p.Leu697*; c.2090T>G, p.Leu697Ter (NM_001126131.2); short protein forms L697*.
Identifiers: ClinVar variation 4541977 (VCV004541977.1).